The following is an entry in ClinVar:

NM_015065.3(EXPH5):c.4644T>C (p.Asn1548=)

Gene: EXPH5 (exophilin 5; minus strand). Cytogenetic location: 11q22.3.
Variant type: single nucleotide variant.
Coding change: c.4644T>C on transcript NM_015065.3 (MANE Select); coding-DNA position 4644, T replaced by C.
Protein change: p.Asn1548=; no amino-acid change (asparagine 1548 retained).
Molecular consequence: synonymous variant.
Genome position (GRCh38, 1-based): chr11:108,510,863, A>G on the plus strand (T>C on the coding strand, the complement: EXPH5 is on the minus strand). VCF-style: chr11-108510863-A-G. GRCh37 (hg19) VCF-style: chr11-108381590-A-G.
Other names: c.4416T>C, p.Asn1472= (NM_001144763.2); c.4176T>C, p.Asn1392= (NM_001144764.2); c.4080T>C, p.Asn1360= (NM_001144765.2); c.4623T>C, p.Asn1541= (NM_001308019.2).
Identifiers: ClinVar variation 726203 (VCV000726203.9), dbSNP rs116631206, ClinGen allele CA6267484.
Genomic context (GRCh38, chr11:108,510,863, plus strand): 5'-TGAAGGTTGATCCCAAGCTGACTTCTGCATTTCATCTTCAGCCTTCCTGCTCTCTGTCAT[A>G]TTTGCCTCCTGACTTCTTTGAGGTAATTCTCTTGGTTCAGACTGCAGACTCTCTAAGTTT-3'
Protein context (NP_055880.2, residues 1538-1558): RELPQRSQEA[Asn1548=]MTESRKAEDE

ClinVar aggregate classification (germline): Likely benign. Review status: criteria provided, single submitter (1 of 4 stars). 2 submissions from 2 submitters: Likely benign (1). 1 of the submissions does not count toward it. Last evaluated 2022-05-05.

Conditions:
EXPH5-related disorder. Also called: EXPH5-related condition.

Allele frequency attached by ClinVar (database versions not stated): gnomAD exomes 0.00010 and 0.00007; gnomAD 0.00011 and 0.00012; 1000 Genomes Project 0.00020; TOPMed 0.00029; ExAC 0.00007; 1000 Genomes Project 30x 0.00016.
gnomAD v4.1: 140 of 1,613,944 alleles (0.0087%); highest among the groups gnomAD compares: Middle Eastern, 0.12%; no homozygotes.

Submissions (2):

Labcorp Genetics (formerly Invitae), Labcorp
Classification: Likely benign. Last evaluated: 2022-05-05. Review status: criteria provided, single submitter. Criteria: Invitae Variant Classification Sherloc (09022015). Collection method: clinical testing. Allele origin: germline.

PreventionGenetics, part of Exact Sciences
Classification: Likely benign for EXPH5-related condition. Last evaluated: 2024-04-04. Review status: no assertion criteria provided. Collection method: clinical testing. Allele origin: germline. Not counted in ClinVar's aggregate classification.
Comment: This variant is classified as likely benign based on ACMG/AMP sequence variant interpretation guidelines (Richards et al. 2015 PMID: 25741868, with internal and published modifications).